The following is an entry in ClinVar:

NM_000138.5(FBN1):c.3267C>G (p.Thr1089=)

Gene: FBN1 (fibrillin 1; minus strand). Cytogenetic location: 15q21.1.
Variant type: single nucleotide variant.
Coding change: c.3267C>G on transcript NM_000138.5 (MANE Select); coding-DNA position 3267, C replaced by G.
Protein change: p.Thr1089=; no amino-acid change (threonine 1089 retained).
Molecular consequence: synonymous variant.
Genome position (GRCh38, 1-based): chr15:48,488,183, G>C on the plus strand (C>G on the coding strand, the complement: FBN1 is on the minus strand). VCF-style: chr15-48488183-G-C. GRCh37 (hg19) VCF-style: chr15-48780380-G-C.
Other names: c.3267C>G, p.Thr1089= (NM_001406716.1).
Identifiers: ClinVar variation 3071194 (VCV003071194.2), dbSNP rs572333336, ClinGen allele CA050244.

ClinVar aggregate classification (germline): Likely benign. Review status: criteria provided, multiple submitters, no conflicts (2 of 4 stars). 2 submissions from 2 submitters: Likely benign (2). Last evaluated 2025-02-19.

Conditions:
Marfan syndrome (MFS). Also called: MARFAN SYNDROME, TYPE I; Marfan syndrome type 1; Marfan's syndrome; Marfan syndrome, classic; FBN1-Related Marfan Syndrome. Identifiers: Orphanet 284963, Orphanet 558, MedGen C0024796, MONDO:0007947, OMIM 154700.
Familial thoracic aortic aneurysm and aortic dissection (TAAD). Also called: Thoracic aortic aneurysms and dissections. Identifiers: Orphanet 91387, MedGen C4707243, MONDO:0019625.

Allele frequency attached by ClinVar (database versions not stated): ExAC 0.00001; gnomAD 0.00001; 1000 Genomes Project 30x 0.00016; gnomAD exomes below 0.00001; 1000 Genomes Project 0.00020.
gnomAD v4.1: 6 of 1,614,136 alleles (0.00037%); highest among the groups gnomAD compares: South Asian, 0.0033%; no homozygotes.

Submissions (2):

Labcorp Genetics (formerly Invitae), Labcorp
Classification: Likely benign for Marfan syndrome; Familial thoracic aortic aneurysm and aortic dissection. Last evaluated: 2025-02-19. Review status: criteria provided, single submitter. Criteria: Invitae Variant Classification Sherloc (09022015). Collection method: clinical testing. Allele origin: germline.

All of Us Research Program, National Institutes of Health
Classification: Likely benign for Marfan syndrome. Last evaluated: 2023-05-16. Review status: criteria provided, single submitter. Criteria: ACMG Guidelines, 2015. Collection method: clinical testing. Allele origin: germline. Inheritance: Autosomal dominant inheritance. Observed: 1 variant allele, 1 heterozygote.
Comment: This study involves interpretation of variants in research participants for the purpose of population health screening. Participant phenotype was not available at the time of variant classification. Additional details can be found in publication PMID: 35346344, PMCID: PMC8962531